The following is an entry in ClinVar:

NC_012920.1(MT-ND1):m.3582C>T

Gene: MT-ND1 (mitochondrially encoded NADH dehydrogenase 1; plus strand).
Variant type: single nucleotide variant.
Genome position: chrM-3582-C-T.
Identifiers: ClinVar variation 235531 (VCV000235531.3), dbSNP rs878853059, ClinGen allele CA10581344.

ClinVar aggregate classification (germline): Uncertain significance (1 of 4 stars; one submission).

Submission:

Center for Pediatric Genomic Medicine, Children's Mercy Hospital and Clinics
Classification: Uncertain significance. Last evaluated: 2016-01-21. Review status: criteria provided, single submitter. Criteria: ACMG Guidelines, 2015. Collection method: clinical testing. Allele origin: germline.
ClinVar note: Converted during submission from Uncertain Significance to Uncertain significance.